The following is an entry in ClinVar:

NM_006757.4(TNNT3):c.681C>T (p.Asp227=)

Gene: TNNT3 (troponin T3, fast skeletal type; plus strand). Cytogenetic location: 11p15.5.
Variant type: single nucleotide variant.
Coding change: c.681C>T on transcript NM_006757.4 (MANE Select); coding-DNA position 681, C replaced by T.
Protein change: p.Asp227=; no amino-acid change (aspartic acid 227 retained).
Molecular consequence: synonymous variant.
Genome position (GRCh38, 1-based): chr11:1,934,919, C>T. VCF-style: chr11-1934919-C-T. GRCh37 (hg19) VCF-style: chr11-1956149-C-T.
Other names: c.657C>T, p.Asp219= (NM_001042780.3, NM_001042782.3, NM_001297646.2 and 2 more transcripts); c.675C>T, p.Asp225= (NM_001042781.3, NM_001367842.1, NM_001367843.1); c.690C>T, p.Asp230= (NM_001363561.2, NM_001367847.1); c.714C>T, p.Asp238= (NM_001367846.1); c.678C>T, p.Asp226= (NM_001367848.1); c.669C>T, p.Asp223= (NM_001367849.1); c.624C>T, p.Asp208= (NM_001367850.1); c.477C>T, p.Asp159= (NM_001367851.1, NM_001367852.1).
Identifiers: ClinVar variation 4695839 (VCV004695839.1).

ClinVar aggregate classification (germline): Uncertain significance (1 of 4 stars; one submission).

gnomAD v4.1: 56 of 1,613,214 alleles (0.0035%); highest among the groups gnomAD compares: Non-Finnish European, 0.0042%; no homozygotes.

Submission:

Labcorp Genetics (formerly Invitae), Labcorp
Classification: Uncertain significance. Last evaluated: 2025-08-29. Review status: criteria provided, single submitter. Criteria: Invitae Variant Classification Sherloc (09022015). Collection method: clinical testing. Allele origin: germline.
Comment: This sequence change affects codon 227 of the TNNT3 mRNA. It is a 'silent' change, meaning that it does not change the encoded amino acid sequence of the TNNT3 protein. It affects a nucleotide within the consensus splice site. This variant is present in population databases (rs754208651, gnomAD 0.004%). This variant has not been reported in the literature in individuals affected with TNNT3-related conditions. Algorithms developed to predict the effect of sequence changes on RNA splicing suggest that this variant is not likely to affect RNA splicing. In summary, the available evidence is currently insufficient to determine the role of this variant in disease. Therefore, it has been classified as a Variant of Uncertain Significance.